The following is an entry in ClinVar:

ClinVar aggregate classification (germline): Uncertain significance (1 of 4 stars; one submission).

Conditions:
Glutaric aciduria, type 1. Also called: Glutaric Acidemia Type 1; Glutaryl-CoA dehydrogenase deficiency; Glutaric acidemia type I; GA I; Glutaricaciduria, type I; Glutaricacidemia Type 1. Identifiers: Orphanet 25, MedGen C0268595, MONDO:0009281, OMIM 231670.

Submission:

Neuberg Centre For Genomic Medicine, NCGM
Classification: Uncertain significance for Glutaric aciduria, type 1. Review status: criteria provided, single submitter. Criteria: ACMG Guidelines, 2015. Collection method: clinical testing. Allele origin: germline. Inheritance: Autosomal recessive inheritance. Affected: yes.
Comment: The missense variant c.395G>C (p.Arg132Pro) in GCDH gene has not been reported previously as a pathogenic variant nor as a benign variant, to our knowledge. The p.Arg132Pro variant is novel (not in any individuals) in gnomAD Exomes and 1000 Genomes. The amino acid Arg at position 132 is changed to a Pro changing protein sequence and it might alter its composition and physico-chemical properties. The variant is predicted to be damaging by both SIFT and PolyPhen2. The residue is conserved across species. The amino acid change p.Arg132Pro in GCDH is predicted as conserved by GERP++ and PhyloP across 100 vertebrates. For these reasons, this variant has been classified as Variant of Uncertain Significance (VUS).

NM_000159.4(GCDH):c.395G>C (p.Arg132Pro)

Gene: GCDH (glutaryl-CoA dehydrogenase; plus strand). Cytogenetic location: 19p13.13.
Variant type: single nucleotide variant.
Coding change: c.395G>C on transcript NM_000159.4 (MANE Select); coding-DNA position 395, G replaced by C.
Protein change: p.Arg132Pro; replaces arginine 132 with proline.
Molecular consequence: missense variant. On other transcripts: non-coding transcript variant (2).
Genome position (GRCh38, 1-based): chr19:12,893,543, G>C. VCF-style: chr19-12893543-G-C. GRCh37 (hg19) VCF-style: chr19-13004357-G-C.
Other names: c.395G>C, p.Arg132Pro (NM_013976.5); short protein forms R132P.
Identifiers: ClinVar variation 2585356 (VCV002585356.1), dbSNP rs200639270, ClinGen allele CA404317458.
Genomic context (GRCh38, chr19:12,893,543, plus strand): 5'-GATATGGCTGTGCTGGGGTTTCGTCTGTGGCCTATGGGCTCCTGGCCCGAGAGCTGGAGC[G>C]GGTGGACAGTGGCTACAGGTCGGCGATGAGTGTCCAGTCCTCCCTCGTCATGCACCCTAT-3'
Protein context (NP_000150.1, residues 122-142): AYGLLARELE[Arg132Pro]VDSGYRSAMS